The following is an entry in ClinVar:

NM_139137.4(KCNC2):c.224G>T (p.Gly75Val)

Gene: KCNC2 (potassium voltage-gated channel subfamily C member 2; minus strand). Cytogenetic location: 12q21.1.
Variant type: single nucleotide variant.
Coding change: c.224G>T on transcript NM_139137.4 (MANE Select); coding-DNA position 224, G replaced by T.
Protein change: p.Gly75Val; replaces glycine 75 with valine.
Molecular consequence: missense variant. On other transcripts: non-coding transcript variant (2).
Genome position (GRCh38, 1-based): chr12:75,207,760, C>A on the plus strand (G>T on the coding strand, the complement: KCNC2 is on the minus strand). VCF-style: chr12-75207760-C-A. GRCh37 (hg19) VCF-style: chr12-75601540-C-A.
Other names: c.224G>T, p.Gly75Val (NM_001414202.1, NM_001414206.1, NM_001414213.1 and 13 more transcripts); short protein forms G75V.
Identifiers: ClinVar variation 3025137 (VCV003025137.22), dbSNP rs7311122, ClinGen allele CA6691302.
Genomic context (GRCh38, chr12:75,207,760, plus strand): 5'-TGGTCGCTGGCCCTGCCGCCGCGGGAACTGCAGTTGCCCGCGCCGCCCTCGAAGCAGCCG[C>A]CTGGCCCGGGGGACAGCGGGGGCGCTCTCGGCGGCGGCGACAGTGGAGGCGGCGACGGCT-3'
Protein context (NP_631875.1, residues 65-85): PRAPPLSPGP[Gly75Val]GCFEGGAGNC

ClinVar aggregate classification (germline): Likely benign (1 of 4 stars; one submission).

Allele frequency attached by ClinVar (database versions not stated): 1000 Genomes Project 0.00160; 1000 Genomes Project 30x 0.00219; ESP Exome Variant Server 0.00431; TOPMed 0.00521; gnomAD 0.00549; ExAC 0.00878.
gnomAD v4.1: 10,902 of 1,571,098 alleles (0.69%); highest among the groups gnomAD compares: Non-Finnish European, 0.82%; 44 homozygotes.

Submission:

CeGaT Center for Human Genetics Tuebingen
Classification: Likely benign. Last evaluated: 2026-09-01. Review status: criteria provided, single submitter. Criteria: CeGaT Center For Human Genetics Tuebingen Variant Classification Criteria Version 2. Collection method: clinical testing. Allele origin: germline. Affected: yes. Observed: 17 variant alleles.
Comment: KCNC2: BS2